The following is an entry in ClinVar:

NM_001364905.1(LRBA):c.1494-2A>G

Gene: LRBA (LPS responsive beige-like anchor protein; minus strand). Cytogenetic location: 4q31.3.
Variant type: single nucleotide variant.
Coding change: c.1494-2A>G on transcript NM_001364905.1 (MANE Select); the canonical splice acceptor site of the intron before coding-DNA position 1494, A replaced by G.
Molecular consequence: splice acceptor variant.
Genome position (GRCh38, 1-based): chr4:150,906,407, T>C on the plus strand (A>G on the coding strand, the complement: LRBA is on the minus strand). VCF-style: chr4-150906407-T-C. GRCh37 (hg19) VCF-style: chr4-151827559-T-C.
Other names: c.1494-2A>G (NM_001367550.1, NM_006726.5, NM_001199282.3 and 2 more transcripts).
Identifiers: ClinVar variation 3384220 (VCV003384220.2).

ClinVar aggregate classification (germline): Pathogenic (0 of 4 stars; one submission).

Conditions:
Combined immunodeficiency due to LRBA deficiency. Also called: Common variable immunodeficiency 8, with autoimmunity. Identifiers: Orphanet 445018, MedGen C3553512, MONDO:0013863, OMIM 614700.

Submission:

National Institute of Immunohaematology, Indian Council of Medical Research
Classification: Pathogenic for Combined immunodeficiency due to LRBA deficiency. Review status: no assertion criteria provided. Collection method: research. Allele origin: germline. Inheritance: Autosomal recessive inheritance. Affected: yes. Observed: 1 homozygote.
Comment: With no evidences identified in population databases.

Literature cited by the submitters: PubMed 22608502.